The following is an entry in ClinVar:

ClinVar aggregate classification (germline): Likely pathogenic (0 of 4 stars; one submission).

Submission:

Leiden Open Variation Database
Classification: Likely pathogenic. Last evaluated: 2021-03-09. Review status: no assertion criteria provided. Collection method: curation. Allele origin: germline. Affected: yes.
Comment: Curator: Global Variome, with Curator vacancy. Submitter to LOVD: LOVD.

Literature cited by the submitters: PubMed 28005406.

NM_000322.5(PRPH2):c.4G>T (p.Ala2Ser)

Gene: PRPH2 (peripherin 2; minus strand). Cytogenetic location: 6p21.1.
Variant type: single nucleotide variant.
Coding change: c.4G>T on transcript NM_000322.5 (MANE Select); coding-DNA position 4, G replaced by T.
Protein change: p.Ala2Ser; replaces alanine 2 with serine.
Molecular consequence: missense variant.
Genome position (GRCh38, 1-based): chr6:42,722,331, C>A on the plus strand (G>T on the coding strand, the complement: PRPH2 is on the minus strand). VCF-style: chr6-42722331-C-A. GRCh37 (hg19) VCF-style: chr6-42690069-C-A.
Other names: short protein forms A2S.
Identifiers: ClinVar variation 1175237 (VCV001175237.1), dbSNP rs1424831291, ClinGen allele CA364138978.